The following is an entry in ClinVar:

ClinVar aggregate classification (germline): Benign. Review status: criteria provided, single submitter (1 of 4 stars). 2 submissions from 1 submitter: Benign (2). Last evaluated 2018-01-13.

Conditions:
Craniometaphyseal dysplasia, autosomal dominant (CMDD). Identifiers: Orphanet 1522, MedGen C1852502, MONDO:0007397, OMIM 123000.
Chondrocalcinosis 2. Also called: Familial calcium pyrophosphate deposition; CALCIUM GOUT; CALCIUM PYROPHOSPHATE ARTHROPATHY. Identifiers: Orphanet 1416, MedGen C0856830, MONDO:0007319, OMIM 118600.

Allele frequency attached by ClinVar (database versions not stated): 1000 Genomes Project 0.00180; 1000 Genomes Project 30x 0.00187; gnomAD 0.00259 and 0.00280; TOPMed 0.00299.

Submissions (2):

Illumina Laboratory Services, Illumina
Classification: Benign for Chondrocalcinosis 2. Last evaluated: 2018-01-13. Review status: criteria provided, single submitter. Criteria: ICSL Variant Classification Criteria 13 December 2019. Collection method: clinical testing. Allele origin: germline.
Comment: This variant was observed in the ICSL laboratory as part of a predisposition screen in an ostensibly healthy population. It had not been previously curated by ICSL or reported in the Human Gene Mutation Database (HGMD: prior to June 1st, 2018), and was therefore a candidate for classification through an automated scoring system. Utilizing variant allele frequency, disease prevalence and penetrance estimates, and inheritance mode, an automated score was calculated to assess if this variant is too frequent to cause the disease. Based on the score and internal cut-off values, a variant classified as benign is not then subjected to further curation. The score for this variant resulted in a classification of benign for this disease.

Illumina Laboratory Services, Illumina
Classification: Benign for Craniometaphyseal dysplasia, autosomal dominant. Last evaluated: 2018-01-13. Review status: criteria provided, single submitter. Criteria: ICSL Variant Classification Criteria 13 December 2019. Collection method: clinical testing. Allele origin: germline.
Comment: the same text as in the submission from Illumina Laboratory Services, Illumina above.

NM_054027.6(ANKH):c.*5518C>T

Genes: ANKH (ANKH inorganic pyrophosphate transport regulator; minus strand), OTULIN (OTU deubiquitinase with linear linkage specificity; plus strand). Cytogenetic location: 5p15.2.
Variant type: single nucleotide variant.
Coding change: c.*5518C>T on transcript NM_054027.6 (MANE Select); 5518 bases downstream of the stop codon, C replaced by T.
Molecular consequence: 3 prime UTR variant.
Genome position (GRCh38, 1-based): chr5:14,705,679, G>A on the plus strand (C>T on the coding strand, the complement: ANKH is on the minus strand). VCF-style: chr5-14705679-G-A. GRCh37 (hg19) VCF-style: chr5-14705788-G-A.
Identifiers: ClinVar variation 905263 (VCV000905263.4), dbSNP rs143143398, ClinGen allele CA114019473.